The following is an entry in ClinVar:

NM_016111.4(TELO2):c.1268C>G (p.Pro423Arg)

Gene: TELO2 (telomere maintenance 2; plus strand). Cytogenetic location: 16p13.3.
Variant type: single nucleotide variant.
Coding change: c.1268C>G on transcript NM_016111.4 (MANE Select); coding-DNA position 1268, C replaced by G.
Protein change: p.Pro423Arg; replaces proline 423 with arginine.
Molecular consequence: missense variant.
Genome position (GRCh38, 1-based): chr16:1,500,686, C>G. VCF-style: chr16-1500686-C-G. GRCh37 (hg19) VCF-style: chr16-1550687-C-G.
Other names: c.1268C>G, p.Pro423Arg (NM_001351846.2); short protein forms P423R.
Identifiers: ClinVar variation 2089149 (VCV002089149.4), dbSNP rs368284673, ClinGen allele CA394213175.

ClinVar aggregate classification (germline): Uncertain significance (1 of 4 stars; one submission).

Submission:

Labcorp Genetics (formerly Invitae), Labcorp
Classification: Uncertain significance. Last evaluated: 2022-03-05. Review status: criteria provided, single submitter. Criteria: Invitae Variant Classification Sherloc (09022015). Collection method: clinical testing. Allele origin: germline.
Comment: This variant is not present in population databases (gnomAD no frequency). This variant has not been reported in the literature in individuals affected with TELO2-related conditions. Algorithms developed to predict the effect of missense changes on protein structure and function (SIFT, PolyPhen-2, Align-GVGD) all suggest that this variant is likely to be tolerated. In summary, the available evidence is currently insufficient to determine the role of this variant in disease. Therefore, it has been classified as a Variant of Uncertain Significance. This sequence change replaces proline, which is neutral and non-polar, with arginine, which is basic and polar, at codon 423 of the TELO2 protein (p.Pro423Arg).